The following is an entry in ClinVar:

ClinVar aggregate classification (germline): Uncertain significance (1 of 4 stars; one submission).

Allele frequency attached by ClinVar (database versions not stated): gnomAD exomes below 0.00001; ExAC 0.00002.
gnomAD v4.1: 3 of 1,606,138 alleles (0.00019%); highest among the groups gnomAD compares: South Asian, 0.0033%; no homozygotes.

Submission:

Ambry Genetics
Classification: Uncertain significance. Last evaluated: 2021-09-30. Review status: criteria provided, single submitter. Criteria: Ambry Variant Classification Scheme 2023. Collection method: clinical testing. Allele origin: germline.
Comment: The p.S37F variant (also known as c.110C>T), located in coding exon 1 of the POLQ gene, results from a C to T substitution at nucleotide position 110. The serine at codon 37 is replaced by phenylalanine, an amino acid with highly dissimilar properties. This amino acid position is conserved. In addition, this alteration is predicted to be tolerated by in silico analysis. Since supporting evidence is limited at this time, the clinical significance of this alteration remains unclear.

NM_199420.4(POLQ):c.110C>T (p.Ser37Phe)

Genes: POLQ (DNA polymerase theta; minus strand), LOC112872292 (Sharpr-MPRA regulatory region 30; plus strand). Cytogenetic location: 3q13.33.
Variant type: single nucleotide variant.
Coding change: c.110C>T on transcript NM_199420.4 (MANE Select); coding-DNA position 110, C replaced by T.
Protein change: p.Ser37Phe; replaces serine 37 with phenylalanine.
Molecular consequence: missense variant.
Genome position (GRCh38, 1-based): chr3:121,545,768, G>A on the plus strand (C>T on the coding strand, the complement: POLQ is on the minus strand). VCF-style: chr3-121545768-G-A. GRCh37 (hg19) VCF-style: chr3-121264615-G-A.
Other names: short protein forms S37F.
Identifiers: ClinVar variation 1794732 (VCV001794732.2), dbSNP rs750468950, ClinGen allele CA2563918.
Genomic context (GRCh38, chr3:121,545,768, plus strand): 5'-GGAGCACCTGCAGCTGCGGCCTTCAGGCAGCGACCAAGGCCGGGCGGCGGGCTCAGCACG[G>A]ACCCGGAGAGGAACTGGGGGCTGGCACTGCTGTCACCGCCGCTTCCCGAGAACGAATCTG-3'
Protein context (NP_955452.3, residues 27-47): SSASPQFLSG[Ser37Phe]VLSPPPGLGR